The following is an entry in ClinVar:

ClinVar aggregate classification (germline): Benign/Likely benign. Review status: criteria provided, multiple submitters, no conflicts (2 of 4 stars). 5 submissions from 5 submitters: Benign (1); Likely benign (3). 1 of the submissions does not count toward it. Last evaluated 2026-01-31.

Conditions:
Loeys-Dietz syndrome 2 (LDS2). Also called: TGFBR2-Related Loeys-Dietz Syndrome; Marfan syndrome, type 2 (formerly); AORTIC ANEURYSM, FAMILIAL THORACIC 3; MARFAN SYNDROME, TYPE II; Marfan Syndrome type 2; Marfan like connective tissue disorder. Identifiers: Orphanet 284973, Orphanet 558, MedGen C2674574, MONDO:0012427, OMIM 610168.
TMPO-related disorder. Also called: TMPO-related condition.

Allele frequency attached by ClinVar (database versions not stated): ExAC 0.00010; 1000 Genomes Project 30x 0.00016; 1000 Genomes Project 0.00020; ESP Exome Variant Server 0.00023; TOPMed 0.00029; gnomAD 0.00031.
gnomAD v4.1: 97 of 1,614,206 alleles (0.006%); highest among the groups gnomAD compares: African/African-American, 0.11%; no homozygotes.

Submissions (5):

Labcorp Genetics (formerly Invitae), Labcorp
Classification: Likely benign for Loeys-Dietz syndrome 2. Last evaluated: 2026-01-31. Review status: criteria provided, single submitter. Criteria: Invitae Variant Classification Sherloc (09022015). Collection method: clinical testing. Allele origin: germline.

GeneDx
Classification: Likely benign. Last evaluated: 2021-06-08. Review status: criteria provided, single submitter. Criteria: GeneDx Variant Classification Process June 2021. Collection method: clinical testing. Allele origin: germline. Affected: yes.

Women's Health and Genetics/Laboratory Corporation of America, LabCorp
Classification: Benign. Last evaluated: 2021-01-28. Review status: criteria provided, single submitter. Criteria: LabCorp Variant Classification Summary - May 2015. Collection method: clinical testing. Allele origin: germline.

Ambry Genetics
Classification: Likely benign. Last evaluated: 2015-10-22. Review status: criteria provided, single submitter. Criteria: Ambry Variant Classification Scheme 2023. Collection method: clinical testing. Allele origin: germline.

PreventionGenetics, part of Exact Sciences
Classification: Likely benign for TMPO-related condition. Last evaluated: 2019-06-12. Review status: no assertion criteria provided. Collection method: clinical testing. Allele origin: germline. Not counted in ClinVar's aggregate classification.
Comment: This variant is classified as likely benign based on ACMG/AMP sequence variant interpretation guidelines (Richards et al. 2015 PMID: 25741868, with internal and published modifications).

NM_001032283.3(TMPO):c.565+1493A>G

Gene: TMPO (thymopoietin; plus strand). Cytogenetic location: 12q23.1.
Variant type: single nucleotide variant.
Coding change: c.565+1493A>G on transcript NM_001032283.3 (MANE Select); 1493 bases into the intron after coding-DNA position 565, A replaced by G.
Molecular consequence: intron variant. On other transcripts: synonymous variant (1).
Genome position (GRCh38, 1-based): chr12:98,533,331, A>G. VCF-style: chr12-98533331-A-G. GRCh37 (hg19) VCF-style: chr12-98927109-A-G.
Other names: c.1074A>G, p.Lys358= (NM_003276.2); c.565+1493A>G (NM_001307975.2, NM_001032284.3).
Identifiers: ClinVar variation 264391 (VCV000264391.19), dbSNP rs141347778, ClinGen allele CA6732355.
Genomic context (GRCh38, chr12:98,533,331, plus strand): 5'-ACCATTATGTCCTGAGAGGTCCCATATTTCAGATCAATCGCCTCTCTCCAGTAAAAGGAA[A>G]GCACTAGAAGAGTCTGAGAGCTCACAACTAATTTCTCCGCCACTTGCCCAGGCAATCAGA-3'